The following is an entry in ClinVar:

ClinVar aggregate classification (germline): Uncertain significance. Review status: criteria provided, multiple submitters, no conflicts (2 of 4 stars). 3 submissions from 3 submitters: Uncertain significance (3). Last evaluated 2026-01-06.

Conditions:
Hereditary cancer-predisposing syndrome. Also called: Tumor predisposition; Hereditary neoplastic syndrome; Hereditary Cancer Syndrome; Neoplastic Syndromes, Hereditary. Identifiers: Orphanet 140162, MedGen C0027672, MeSH D009386, MONDO:0015356.
Familial adenomatous polyposis 1 (FAP1). Also called: FAMILIAL ADENOMATOUS POLYPOSIS 1, ATTENUATED; POLYPOSIS, ADENOMATOUS INTESTINAL. Identifiers: MedGen C2713442, MONDO:0021056, OMIM 175100. Disease mechanism: loss of function.

Submissions (3):

Ambry Genetics
Classification: Uncertain significance for Hereditary cancer-predisposing syndrome. Last evaluated: 2026-01-06. Review status: criteria provided, single submitter. Criteria: Ambry Variant Classification Scheme 2023. Collection method: clinical testing. Allele origin: germline.
Comment: The p.D2059N variant (also known as c.6175G>A), located in coding exon 15 of the APC gene, results from a G to A substitution at nucleotide position 6175. The aspartic acid at codon 2059 is replaced by asparagine, an amino acid with highly similar properties. This amino acid position is not well conserved in available vertebrate species. In addition, in silico predictors for this gene do not accurately predict pathogenicity. Missense variants in APC are not a common cause of disease (Spier I et al. Genet Med. 2024 Feb;26(2):100992). Based on the available evidence, the clinical significance of this variant remains unclear.

Color Diagnostics, LLC DBA Color Health
Classification: Uncertain significance for Hereditary cancer-predisposing syndrome. Last evaluated: 2023-12-05. Review status: criteria provided, single submitter. Criteria: ACMG Guidelines, 2015. Collection method: clinical testing. Allele origin: germline.
Comment: This missense variant replaces aspartic acid with asparagine at codon 2059 of the APC protein. Computational prediction suggests that this variant may not impact protein structure and function (internally defined REVEL score threshold <= 0.5, PMID: 27666373). To our knowledge, functional studies have not been reported for this variant. This variant has not been reported in individuals affected with APC-related disorders in the literature. This variant has not been identified in the general population by the Genome Aggregation Database (gnomAD). The available evidence is insufficient to determine the role of this variant in disease conclusively. Therefore, this variant is classified as a Variant of Uncertain Significance.

Labcorp Genetics (formerly Invitae), Labcorp
Classification: Uncertain significance for Familial adenomatous polyposis 1. Last evaluated: 2023-05-25. Review status: criteria provided, single submitter. Criteria: Invitae Variant Classification Sherloc (09022015). Collection method: clinical testing. Allele origin: germline.
Comment: This sequence change replaces aspartic acid, which is acidic and polar, with asparagine, which is neutral and polar, at codon 2059 of the APC protein (p.Asp2059Asn). This variant is not present in population databases (gnomAD no frequency). This variant has not been reported in the literature in individuals affected with APC-related conditions. ClinVar contains an entry for this variant (Variation ID: 921788). Advanced modeling of protein sequence and biophysical properties (such as structural, functional, and spatial information, amino acid conservation, physicochemical variation, residue mobility, and thermodynamic stability) performed at Invitae indicates that this missense variant is not expected to disrupt APC protein function. In summary, the available evidence is currently insufficient to determine the role of this variant in disease. Therefore, it has been classified as a Variant of Uncertain Significance.

NM_000038.6(APC):c.6175G>A (p.Asp2059Asn)

Gene: APC (APC regulator of Wnt signaling pathway; plus strand). Cytogenetic location: 5q22.2.
Variant type: single nucleotide variant.
Coding change: c.6175G>A on transcript NM_000038.6 (MANE Select); coding-DNA position 6175, G replaced by A.
Protein change: p.Asp2059Asn; replaces aspartic acid 2059 with asparagine.
Molecular consequence: missense variant.
Genome position (GRCh38, 1-based): chr5:112,841,769, G>A. VCF-style: chr5-112841769-G-A. GRCh37 (hg19) VCF-style: chr5-112177466-G-A.
Other names: c.6175G>A, p.Asp2059Asn (NM_001127510.3, NM_001354895.2); c.6121G>A, p.Asp2041Asn (NM_001127511.3); c.6229G>A, p.Asp2077Asn (NM_001354896.2); c.6205G>A, p.Asp2069Asn (NM_001354897.2); c.6100G>A, p.Asp2034Asn (NM_001354898.2); c.6091G>A, p.Asp2031Asn (NM_001354899.2); c.6052G>A, p.Asp2018Asn (NM_001354900.2); c.5998G>A, p.Asp2000Asn (NM_001354901.2); and 5 more; short protein forms D2041N, D1776N, D1899N, D1958N, D1968N, D2031N, D2034N, D2059N.
Identifiers: ClinVar variation 921788 (VCV000921788.8), dbSNP rs1766153701, ClinGen allele CA16034852.